The following is an entry in ClinVar:

NM_001164508.2(NEB):c.5309T>A (p.Leu1770Ter)

Gene: NEB (nebulin; minus strand). Cytogenetic location: 2q23.3.
Variant type: single nucleotide variant.
Coding change: c.5309T>A on transcript NM_001164508.2 (MANE Select); coding-DNA position 5309, T replaced by A.
Protein change: p.Leu1770Ter; replaces leucine 1770 with a stop codon.
Molecular consequence: nonsense.
Genome position (GRCh38, 1-based): chr2:151,664,793, A>T on the plus strand (T>A on the coding strand, the complement: NEB is on the minus strand). VCF-style: chr2-151664793-A-T. GRCh37 (hg19) VCF-style: chr2-152521307-A-T.
Other names: c.5309T>A, p.Leu1770Ter (NM_001164507.2, NM_001271208.2, NM_004543.5); c.5309T>A (NM_001271208.1); short protein forms L1770*.
Identifiers: ClinVar variation 1455883 (VCV001455883.9), dbSNP rs2154175437, ClinGen allele CA348811441.
Genomic context (GRCh38, chr2:151,664,793, plus strand): 5'-GCTTTTGCTGTTGTTAACCTACTTACATCACTCATGGTGATTTGGTTTACTCTGGAGAGT[A>T]AAATATCCGGTGTGTCAGGCATGACATGAATGGTGGTCTTGTCCTTGTTCCATTTTTCAG-3'

ClinVar aggregate classification (germline): Pathogenic/Likely pathogenic. Review status: criteria provided, multiple submitters, no conflicts (2 of 4 stars). 3 submissions from 3 submitters: Pathogenic (1); Likely pathogenic (2). Last evaluated 2024-02-08.

Conditions:
Nemaline myopathy 2 (NEM2). Also called: Nemaline myopathy 2, autosomal recessive. Identifiers: MedGen C1850569, MONDO:0009725, OMIM 256030.
Arthrogryposis multiplex congenita 6. Identifiers: MedGen C5543431, MONDO:0030281, OMIM 619334.

Submissions (3):

Baylor Genetics
Classification: Likely pathogenic for Arthrogryposis multiplex congenita 6. Last evaluated: 2024-02-08. Review status: criteria provided, single submitter. Criteria: ACMG Guidelines, 2015. Collection method: clinical testing. Allele origin: unknown.

Myriad Genetics, Inc.
Classification: Likely pathogenic for Nemaline myopathy 2. Last evaluated: 2022-03-30. Review status: criteria provided, single submitter. Criteria: Myriad Women's Health Autosomal Recessive and X-Linked Classification Criteria (2021). Collection method: clinical testing. Allele origin: unknown.
Comment: NM_001271208.1(NEB):c.5309T>A(L1770*) is expected to be pathogenic in the context of NEB-related nemaline myopathy. This variant is predicted to lead to an abnormal or absent protein product due to the creation of a premature termination codon in NEB, a gene where loss-of-function variants are known to be pathogenic. Please note: this variant was assessed in the context of healthy population screening.

Labcorp Genetics (formerly Invitae), Labcorp
Classification: Pathogenic for Nemaline myopathy 2. Last evaluated: 2021-10-21. Review status: criteria provided, single submitter. Criteria: Invitae Variant Classification Sherloc (09022015). Collection method: clinical testing. Allele origin: germline.
Comment: For these reasons, this variant has been classified as Pathogenic. This variant has not been reported in the literature in individuals affected with NEB-related conditions. This variant is not present in population databases (gnomAD no frequency). This sequence change creates a premature translational stop signal (p.Leu1770*) in the NEB gene. It is expected to result in an absent or disrupted protein product. Loss-of-function variants in NEB are known to be pathogenic (PMID: 25205138).

Literature cited by the submitters: PubMed 25205138 (cited by Labcorp Genetics (formerly Invitae), Labcorp).